The following is an entry in ClinVar:

NM_002382.5(MAX):c.172-16T>C

Gene: MAX (MYC associated transcriptional regulator X; minus strand). Cytogenetic location: 14q23.3.
Variant type: single nucleotide variant.
Coding change: c.172-16T>C on transcript NM_002382.5 (MANE Select); 16 bases into the intron before coding-DNA position 172, T replaced by C.
Molecular consequence: intron variant.
Genome position (GRCh38, 1-based): chr14:65,078,052, A>G on the plus strand (T>C on the coding strand, the complement: MAX is on the minus strand). VCF-style: chr14-65078052-A-G. GRCh37 (hg19) VCF-style: chr14-65544770-A-G.
Other names: c.144+15656T>C (NM_001271069.2); c.171+15656T>C (NM_197957.4); c.145-16T>C (NM_145112.3); c.-103-16T>C (NM_001320415.2); c.172-16T>C (NM_145113.3).
Identifiers: ClinVar variation 1617718 (VCV001617718.9), dbSNP rs1316320305, ClinGen allele CA707786918.

ClinVar aggregate classification (germline): Likely benign. Review status: criteria provided, multiple submitters, no conflicts (2 of 4 stars). 2 submissions from 2 submitters: Likely benign (2). Last evaluated 2026-06-05.

Conditions:
Hereditary pheochromocytoma and paraganglioma. Also called: Hereditary Paraganglioma-Pheochromocytoma Syndromes; Hereditary pheochromocytoma-paraganglioma; Hereditary paragangliomas and pheochromocytomas. Identifiers: Orphanet 29072, MedGen C4274332, MONDO:0017366.
Pheochromocytoma. Also called: MAX-Related Hereditary Paraganglioma-Pheochromocytoma Syndrome. Identifiers: Orphanet 29072, MedGen C0031511, MONDO:0008233, OMIM 171300, HP:0002666.

Allele frequency attached by ClinVar (database versions not stated): gnomAD exomes below 0.00001; gnomAD 0.00001; TOPMed 0.00001.
gnomAD v4.1: 3 of 1,614,046 alleles (0.00019%); highest among the groups gnomAD compares: Admixed American, 0.0017%; no homozygotes.

Submissions (2):

Myriad Genetics, Inc.
Classification: Likely benign for Pheochromocytoma. Last evaluated: 2026-06-05. Review status: criteria provided, single submitter. Criteria: Myriad Autosomal Dominant, Autosomal Recessive and X-Linked Classification Criteria (2023). Collection method: clinical testing. Allele origin: unknown.
Comment: This variant is considered likely benign. This variant is intronic and is not expected to impact mRNA splicing.

Labcorp Genetics (formerly Invitae), Labcorp
Classification: Likely benign for Hereditary pheochromocytoma and paraganglioma. Last evaluated: 2025-07-30. Review status: criteria provided, single submitter. Criteria: Invitae Variant Classification Sherloc (09022015). Collection method: clinical testing. Allele origin: germline.